The following is an entry in ClinVar:

NM_206933.4(USH2A):c.6245A>C (p.Asn2082Thr)

Gene: USH2A (usherin; minus strand). Cytogenetic location: 1q41.
Variant type: single nucleotide variant.
Coding change: c.6245A>C on transcript NM_206933.4 (MANE Select); coding-DNA position 6245, A replaced by C.
Protein change: p.Asn2082Thr; replaces asparagine 2082 with threonine.
Molecular consequence: missense variant.
Genome position (GRCh38, 1-based): chr1:216,046,511, T>G on the plus strand (A>C on the coding strand, the complement: USH2A is on the minus strand). VCF-style: chr1-216046511-T-G. GRCh37 (hg19) VCF-style: chr1-216219853-T-G.
Other names: short protein forms N2082T.
Identifiers: ClinVar variation 1438139 (VCV001438139.4), dbSNP rs778263278, ClinGen allele CA1395188.

ClinVar aggregate classification (germline): Uncertain significance. Review status: criteria provided, multiple submitters, no conflicts (2 of 4 stars). 2 submissions from 2 submitters: Uncertain significance (2). Last evaluated 2022-10-13.

Allele frequency attached by ClinVar (database versions not stated): gnomAD exomes below 0.00001 and 0.00001; ExAC 0.00001; gnomAD 0.00001.
gnomAD v4.1: 6 of 1,613,726 alleles (0.00037%); highest among the groups gnomAD compares: Admixed American, 0.005%; no homozygotes.

Submissions (2):

Labcorp Genetics (formerly Invitae), Labcorp
Classification: Uncertain significance. Last evaluated: 2022-10-13. Review status: criteria provided, single submitter. Criteria: Invitae Variant Classification Sherloc (09022015). Collection method: clinical testing. Allele origin: germline.
Comment: This sequence change replaces asparagine, which is neutral and polar, with threonine, which is neutral and polar, at codon 2082 of the USH2A protein (p.Asn2082Thr). This variant is present in population databases (rs778263278, gnomAD 0.006%). This variant has not been reported in the literature in individuals affected with USH2A-related conditions. ClinVar contains an entry for this variant (Variation ID: 1438139). Advanced modeling of protein sequence and biophysical properties (such as structural, functional, and spatial information, amino acid conservation, physicochemical variation, residue mobility, and thermodynamic stability) performed at Invitae indicates that this missense variant is expected to disrupt USH2A protein function. In summary, the available evidence is currently insufficient to determine the role of this variant in disease. Therefore, it has been classified as a Variant of Uncertain Significance.

Blueprint Genetics
Classification: Uncertain significance. Last evaluated: 2022-01-27. Review status: criteria provided, single submitter. Criteria: ACMG Guidelines, 2015. Collection method: clinical testing. Allele origin: germline.